The following is an entry in ClinVar:

ClinVar aggregate classification (germline): Conflicting classifications of pathogenicity. Review status: criteria provided, conflicting classifications (1 of 4 stars). 2 submissions from 2 submitters: Likely pathogenic (1); Uncertain significance (1). Last evaluated 2024-11-20.

Conditions:
COQ7-related disorder. Also called: COQ7-related condition.

Submissions (2):

3billion
Classification: Likely pathogenic for COQ7-related disorder. Last evaluated: 2024-11-20. Review status: criteria provided, single submitter. Criteria: ACMG Guidelines, 2015. Collection method: clinical testing. Allele origin: germline. Affected: yes.
Comment: The variant is not observed in the gnomAD v4.1.0 dataset. Predicted Consequence/Location: Frameshift: predicted to result in a loss or disruption of normal protein function through nonsense-mediated decay (NMD) or protein truncation. Multiple pathogenic variants are reported downstream of the variant. The variant has been reported as of uncertain significance (ClinVar ID: VCV002646273). Therefore, this variant is classified as Likely pathogenic according to the recommendation of ACMG/AMP guideline.

CeGaT Center for Human Genetics Tuebingen
Classification: Uncertain significance. Last evaluated: 2023-08-01. Review status: criteria provided, single submitter. Criteria: CeGaT Center For Human Genetics Tuebingen Variant Classification Criteria Version 2. Collection method: clinical testing. Allele origin: germline. Affected: yes. Observed: 1 variant allele.
Comment: COQ7: PM2

NM_016138.5(COQ7):c.15_25del (p.Ala6fs)

Genes: COQ7 (coenzyme Q7, hydroxylase; plus strand), COQ7-DT (COQ7 divergent transcript; minus strand), LOC130058587 (ATAC-STARR-seq lymphoblastoid silent region 7240; plus strand). Cytogenetic location: 16p12.3.
Variant type: Deletion.
Coding change: c.15_25del on transcript NM_016138.5 (MANE Select); coding-DNA positions 15 to 25, 11 bases deleted (GGCGGCGGCGG).
Protein change: p.Ala6fs; shifts the reading frame from alanine 6.
Molecular consequence: frameshift variant. On other transcripts: non-coding transcript variant (5).
Genome position (GRCh38, 1-based): chr16:19,067,679-19,067,689, GGCGGCGGCGG deleted; deleting any 11 consecutive bases within chr16:19,067,676-19,067,689 gives the same sequence; the c. name uses the placement nearest the transcript's 3' end. VCF-style (leftmost placement, unchanged base first): chr16-19067675-CCGGGGCGGCGG-C. GRCh37 (hg19) VCF-style: chr16-19078997-CCGGGGCGGCGG-C.
Other names: c.15_25del, p.Ala6fs (NM_001370490.1); short protein forms A6fs.
Identifiers: ClinVar variation 2646273 (VCV002646273.24), dbSNP rs2509307905, ClinGen allele CA2695197447.